The following is an entry in ClinVar:

ClinVar aggregate classification (germline): Uncertain significance (1 of 4 stars; one submission).

Allele frequency attached by ClinVar (database versions not stated): gnomAD 0.00002; gnomAD exomes 0.00003 and 0.00006; TOPMed 0.00003; ExAC 0.00004.
gnomAD v4.1: 82 of 1,614,038 alleles (0.0051%); highest among the groups gnomAD compares: Non-Finnish European, 0.0064%; no homozygotes.

Submission:

Labcorp Genetics (formerly Invitae), Labcorp
Classification: Uncertain significance. Last evaluated: 2024-10-22. Review status: criteria provided, single submitter. Criteria: Invitae Variant Classification Sherloc (09022015). Collection method: clinical testing. Allele origin: germline.
Comment: This sequence change replaces valine, which is neutral and non-polar, with isoleucine, which is neutral and non-polar, at codon 453 of the P3H2 protein (p.Val453Ile). This variant is present in population databases (rs780112859, gnomAD 0.007%). This variant has not been reported in the literature in individuals affected with P3H2-related conditions. ClinVar contains an entry for this variant (Variation ID: 1405812). Invitae Evidence Modeling of protein sequence and biophysical properties (such as structural, functional, and spatial information, amino acid conservation, physicochemical variation, residue mobility, and thermodynamic stability) indicates that this missense variant is not expected to disrupt P3H2 protein function with a negative predictive value of 80%. In summary, the available evidence is currently insufficient to determine the role of this variant in disease. Therefore, it has been classified as a Variant of Uncertain Significance.

NM_018192.4(P3H2):c.1357G>A (p.Val453Ile)

Gene: P3H2 (prolyl 3-hydroxylase 2; minus strand). Cytogenetic location: 3q28.
Variant type: single nucleotide variant.
Coding change: c.1357G>A on transcript NM_018192.4 (MANE Select); coding-DNA position 1357, G replaced by A.
Protein change: p.Val453Ile; replaces valine 453 with isoleucine.
Molecular consequence: missense variant.
Genome position (GRCh38, 1-based): chr3:189,974,653, C>T on the plus strand (G>A on the coding strand, the complement: P3H2 is on the minus strand). VCF-style: chr3-189974653-C-T. GRCh37 (hg19) VCF-style: chr3-189692442-C-T.
Other names: c.814G>A, p.Val272Ile (NM_001134418.2); short protein forms V272I, V453I.
Identifiers: ClinVar variation 1405812 (VCV001405812.8), dbSNP rs780112859, ClinGen allele CA2752961.